The following is an entry in ClinVar:

ClinVar aggregate classification (germline): Uncertain significance. Review status: criteria provided, multiple submitters, no conflicts (2 of 4 stars). 3 submissions from 3 submitters: Uncertain significance (2). 1 of the submissions does not count toward it. Last evaluated 2025-12-16.

Conditions:
Anterior segment dysgenesis. Also called: Ocular anterior segment dysgenesis. Identifiers: Orphanet 88632, MedGen C1862839, MONDO:0019503, HP:0007700.
Congenital primary aphakia. Also called: Anterior segment dysgenesis 2, multiple subtypes; ANTERIOR SEGMENT DYSGENESIS 2. Identifiers: Orphanet 83461, MedGen C1853230, MONDO:0012456, OMIM 610256.
Cardiovascular phenotype. Identifiers: MedGen CN230736.

Allele frequency attached by ClinVar (database versions not stated): gnomAD exomes below 0.00001 and 0.00003; gnomAD 0.00001; ExAC 0.00005.

Submissions (3):

Ambry Genetics
Classification: Uncertain significance for Cardiovascular phenotype. Last evaluated: 2025-12-16. Review status: criteria provided, single submitter. Criteria: Ambry Variant Classification Scheme 2023. Collection method: clinical testing. Allele origin: germline.
Comment: The p.T124M variant (also known as c.371C>T), located in coding exon 1 of the FOXE3 gene, results from a C to T substitution at nucleotide position 371. The threonine at codon 124 is replaced by methionine, an amino acid with similar properties. This amino acid position is conserved. In addition, the in silico prediction for this alteration is inconclusive. Since supporting evidence is limited at this time, the clinical significance of this alteration remains unclear.

Labcorp Genetics (formerly Invitae), Labcorp
Classification: Uncertain significance for Anterior segment dysgenesis; Congenital primary aphakia. Last evaluated: 2025-10-14. Review status: criteria provided, single submitter. Criteria: Invitae Variant Classification Sherloc (09022015). Collection method: clinical testing. Allele origin: germline.
Comment: This sequence change replaces threonine, which is neutral and polar, with methionine, which is neutral and non-polar, at codon 124 of the FOXE3 protein (p.Thr124Met). This variant is present in population databases (rs773472430, gnomAD 0.05%). This missense change has been observed in individuals with aphakia (PMID: 34046667, 35051625). ClinVar contains an entry for this variant (Variation ID: 1077108). Invitae Evidence Modeling of protein sequence and biophysical properties (such as structural, functional, and spatial information, amino acid conservation, physicochemical variation, residue mobility, and thermodynamic stability) has been performed for this missense variant. However, the output from this modeling did not meet the statistical confidence thresholds required to predict the impact of this variant on FOXE3 protein function. In summary, the available evidence is currently insufficient to determine the role of this variant in disease. Therefore, it has been classified as a Variant of Uncertain Significance.

Genomics, Genetics and Epigenetics Laboratory, Medical College of Wisconsin
Classification: Likely pathogenic for Congenital primary aphakia. Last evaluated: 2021-05-01. Review status: no assertion criteria provided. Collection method: research. Allele origin: germline. Affected: yes. Not counted in ClinVar's aggregate classification.

Literature cited by the submitters: PubMed 34046667 (cited by Labcorp Genetics (formerly Invitae), Labcorp and Genomics, Genetics and Epigenetics Laboratory, Medical College of Wisconsin); PubMed 35051625 (cited by Labcorp Genetics (formerly Invitae), Labcorp).

NM_012186.3(FOXE3):c.371C>T (p.Thr124Met)

Genes: FOXE3 (forkhead box E3; plus strand), LINC01389 (long independently transcribed non-coding RNA 1389; minus strand). Cytogenetic location: 1p33.
Variant type: single nucleotide variant.
Coding change: c.371C>T on transcript NM_012186.3 (MANE Select); coding-DNA position 371, C replaced by T.
Protein change: p.Thr124Met; replaces threonine 124 with methionine.
Molecular consequence: missense variant.
Genome position (GRCh38, 1-based): chr1:47,416,686, C>T. VCF-style: chr1-47416686-C-T. GRCh37 (hg19) VCF-style: chr1-47882358-C-T.
Other names: c.371C>T (NM_012186.2); short protein forms T124M.
Identifiers: ClinVar variation 1077108 (VCV001077108.7), dbSNP rs773472430, ClinGen allele CA842948.